The following is an entry in ClinVar:

ClinVar aggregate classification (germline): Uncertain significance (1 of 4 stars; one submission).

gnomAD v4.1: 6 of 1,614,128 alleles (0.00037%); highest among the groups gnomAD compares: Non-Finnish European, 0.00051%; no homozygotes.

Submission:

GeneDx
Classification: Uncertain significance. Last evaluated: 2024-09-11. Review status: criteria provided, single submitter. Criteria: GeneDx Variant Classification Process June 2021. Collection method: clinical testing. Allele origin: germline. Affected: yes.
Comment: Identified in a patient with sagittal craniosynostosis, but familial segregation information and additional clinical information were not included (PMID: 29168297); Not observed at significant frequency in large population cohorts (gnomAD); In silico analysis supports that this missense variant has a deleterious effect on protein structure/function; This variant is associated with the following publications: (PMID: 29168297)

NM_207037.2(TCF12):c.2024A>C (p.Glu675Ala)

Gene: TCF12 (transcription factor 12; plus strand). Cytogenetic location: 15q21.3.
Variant type: single nucleotide variant.
Coding change: c.2024A>C on transcript NM_207037.2 (MANE Select); coding-DNA position 2024, A replaced by C.
Protein change: p.Glu675Ala; replaces glutamic acid 675 with alanine.
Molecular consequence: missense variant.
Genome position (GRCh38, 1-based): chr15:57,282,490, A>C. VCF-style: chr15-57282490-A-C. GRCh37 (hg19) VCF-style: chr15-57574688-A-C.
Other names: c.1514A>C, p.Glu505Ala (NM_001306219.3); c.1244A>C, p.Glu415Ala (NM_001306220.3); c.2024A>C, p.Glu675Ala (NM_001322151.2, NM_001322159.3, NM_001322162.2 and 1 more transcripts); c.2021A>C, p.Glu674Ala (NM_001322152.2, NM_001322161.2); c.1367A>C, p.Glu456Ala (NM_001322154.2); c.1850A>C, p.Glu617Ala (NM_001322156.2); c.1952A>C, p.Glu651Ala (NM_001322157.3, NM_001322165.2, NM_003205.4 and 1 more transcripts); c.1778A>C, p.Glu593Ala (NM_001322158.2); and 2 more; short protein forms E415A, E456A, E481A, E505A, E593A, E617A, E651A, E663A.
Identifiers: ClinVar variation 3769803 (VCV003769803.1).